The following is an entry in ClinVar:

ClinVar aggregate classification (germline): Likely benign (1 of 4 stars; one submission).

Conditions:
Hypertrophic cardiomyopathy. Also called: HYPERTROPHIC MYOCARDIOPATHY. Identifiers: Orphanet 217569, MedGen C0007194, MeSH D002312, MONDO:0005045, HP:0001639.

Submission:

All of Us Research Program, National Institutes of Health
Classification: Likely benign for Hypertrophic cardiomyopathy. Last evaluated: 2023-03-23. Review status: criteria provided, single submitter. Criteria: ACMG Guidelines, 2015. Collection method: clinical testing. Allele origin: germline. Inheritance: Autosomal dominant inheritance. Observed: 1 variant allele, 1 heterozygote.
Comment: This study involves interpretation of variants in research participants for the purpose of population health screening. Participant phenotype was not available at the time of variant classification. Additional details can be found in publication PMID: 35346344, PMCID: PMC8962531

NM_000432.4(MYL2):c.402+5T>A

Gene: MYL2 (myosin light chain 2; minus strand). Cytogenetic location: 12q24.11.
Variant type: single nucleotide variant.
Coding change: c.402+5T>A on transcript NM_000432.4 (MANE Select); 5 bases into the intron after coding-DNA position 402, T replaced by A.
Molecular consequence: intron variant.
Genome position (GRCh38, 1-based): chr12:110,913,091, A>T on the plus strand (T>A on the coding strand, the complement: MYL2 is on the minus strand). VCF-style: chr12-110913091-A-T. GRCh37 (hg19) VCF-style: chr12-111350895-A-T.
Other names: c.345+5T>A (NM_001406916.1); c.360+5T>A (NM_001406745.1).
Identifiers: ClinVar variation 3069926 (VCV003069926.1), dbSNP rs2499808206, ClinGen allele CA2825002049.
Genomic context (GRCh38, chr12:110,913,091, plus strand): 5'-ACGGAGCCCCCCAGAAGGAGAACCCAGGAGCTGGGTTAGAGGGAGTGCTTGAAGGACCCC[A>T]TTACCTCCTCCTTGGAAAACCTCTCCGCCTGCGTGGTCAGCATTTCCCGAACGCTGCAGA-3'